The following is an entry in ClinVar:

NM_006218.4(PIK3CA):c.2418T>C (p.Asp806=)

Gene: PIK3CA (phosphatidylinositol-4,5-bisphosphate 3-kinase catalytic subunit alpha; plus strand). Cytogenetic location: 3q26.32.
Variant type: single nucleotide variant.
Coding change: c.2418T>C on transcript NM_006218.4 (MANE Select); coding-DNA position 2418, T replaced by C.
Protein change: p.Asp806=; no amino-acid change (aspartic acid 806 retained).
Molecular consequence: synonymous variant.
Genome position (GRCh38, 1-based): chr3:179,225,963, T>C. VCF-style: chr3-179225963-T-C. GRCh37 (hg19) VCF-style: chr3-178943751-T-C.
Other names: c.2418T>C (NM_006218.3).
Identifiers: ClinVar variation 546952 (VCV000546952.57), dbSNP rs199693043, ClinGen allele CA2710955.

ClinVar aggregate classification (germline): Likely benign. Review status: criteria provided, multiple submitters, no conflicts (2 of 4 stars). 5 submissions from 5 submitters: Likely benign (5). Last evaluated 2026-08-06.

Conditions:
PIK3CA-related disorder. Also called: PIK3CA- related disease; PIK3CA-related disorders; PIK3CA-related condition.
Cowden syndrome 1 (CWS1). Also called: PTEN-Related Cowden Syndrome. Identifiers: MedGen CN072330, MONDO:0008021, OMIM 158350. Disease mechanism: gain of function.
Cowden syndrome (CS). Also called: Cowden disease; Cowden's disease; Cowden's syndrome. Identifiers: Orphanet 201, MedGen C0018553, MONDO:0016063. Disease mechanism: gain of function.
Inborn genetic diseases. Identifiers: MedGen C0950123, MeSH D030342.

Allele frequency attached by ClinVar (database versions not stated): ExAC 0.00002; gnomAD 0.00002; gnomAD exomes 0.00002; TOPMed 0.00006; ESP Exome Variant Server 0.00008.
gnomAD v4.1: 24 of 1,539,106 alleles (0.0016%); highest among the groups gnomAD compares: Admixed American, 0.0034%; no homozygotes.

Submissions (5):

PreventionGenetics, part of Exact Sciences
Classification: Likely benign for PIK3CA-related condition. Last evaluated: 2026-08-06. Review status: criteria provided, single submitter. Criteria: ACMG Guidelines, 2015. Collection method: clinical testing. Allele origin: germline.
Comment: This variant is classified as likely benign based on ACMG/AMP sequence variant interpretation guidelines (Richards et al. 2015 PMID: 25741868, with internal and published modifications).

CeGaT Center for Human Genetics Tuebingen
Classification: Likely benign. Last evaluated: 2025-12-01. Review status: criteria provided, single submitter. Criteria: CeGaT Center For Human Genetics Tuebingen Variant Classification Criteria Version 2. Collection method: clinical testing. Allele origin: germline. Affected: yes. Observed: 2 variant alleles.
Comment: PIK3CA: BP4, BP7

Labcorp Genetics (formerly Invitae), Labcorp
Classification: Likely benign for Cowden syndrome. Last evaluated: 2025-04-08. Review status: criteria provided, single submitter. Criteria: Invitae Variant Classification Sherloc (09022015). Collection method: clinical testing. Allele origin: germline.

Ambry Genetics
Classification: Likely benign for Inborn genetic diseases. Last evaluated: 2022-02-12. Review status: criteria provided, single submitter. Criteria: Ambry Variant Classification Scheme 2023. Collection method: clinical testing. Allele origin: germline.

Mendelics
Classification: Likely benign for Cowden syndrome 1. Last evaluated: 2019-05-28. Review status: criteria provided, single submitter. Criteria: Mendelics Assertion Criteria 2017. Collection method: clinical testing. Allele origin: unknown.